The following is an entry in ClinVar:

ClinVar aggregate classification (germline): Uncertain significance (1 of 4 stars; one submission).

Conditions:
Hereditary nonpolyposis colorectal neoplasms. Identifiers: MedGen C0009405, MeSH D003123.

Submission:

Labcorp Genetics (formerly Invitae), Labcorp
Classification: Uncertain significance for Hereditary nonpolyposis colorectal neoplasms. Last evaluated: 2024-11-22. Review status: criteria provided, single submitter. Criteria: Invitae Variant Classification Sherloc (09022015). Collection method: clinical testing. Allele origin: germline.
Comment: This sequence change replaces leucine, which is neutral and non-polar, with arginine, which is basic and polar, at codon 396 of the MSH6 protein (p.Leu396Arg). This variant is not present in population databases (gnomAD no frequency). This variant has not been reported in the literature in individuals affected with MSH6-related conditions. Invitae Evidence Modeling of protein sequence and biophysical properties (such as structural, functional, and spatial information, amino acid conservation, physicochemical variation, residue mobility, and thermodynamic stability) indicates that this missense variant is expected to disrupt MSH6 protein function with a positive predictive value of 80%. In summary, the available evidence is currently insufficient to determine the role of this variant in disease. Therefore, it has been classified as a Variant of Uncertain Significance.

NM_000179.3(MSH6):c.1187T>G (p.Leu396Arg)

Gene: MSH6 (mutS homolog 6; plus strand). Cytogenetic location: 2p16.3.
Variant type: single nucleotide variant.
Coding change: c.1187T>G on transcript NM_000179.3 (MANE Select); coding-DNA position 1187, T replaced by G.
Protein change: p.Leu396Arg; replaces leucine 396 with arginine.
Molecular consequence: missense variant. On other transcripts: non-coding transcript variant (4), intron variant (1).
Genome position (GRCh38, 1-based): chr2:47,799,170, T>G. VCF-style: chr2-47799170-T-G. GRCh37 (hg19) VCF-style: chr2-48026309-T-G.
Other names: c.797T>G, p.Leu266Arg (NM_001281492.2); c.281T>G, p.Leu94Arg (NM_001281493.2, NM_001281494.2, NM_001406811.1 and 6 more transcripts); c.1283T>G, p.Leu428Arg (NM_001406795.1, NM_001406802.1); c.1187T>G, p.Leu396Arg (NM_001406796.1, NM_001406798.1, NM_001406800.1 and 4 more transcripts); c.890T>G, p.Leu297Arg (NM_001406797.1, NM_001406801.1, NM_001406805.1 and 10 more transcripts); c.662T>G, p.Leu221Arg (NM_001406799.1, NM_001406806.1, NM_001406807.1); c.1109T>G, p.Leu370Arg (NM_001406804.1); c.1193T>G, p.Leu398Arg (NM_001406813.1); and 2 more; short protein forms L221R, L94R, L396R, L398R, L266R, L297R, L340R, L370R.
Identifiers: ClinVar variation 3633922 (VCV003633922.2).
Genomic context (GRCh38, chr2:47,799,170, plus strand): 5'-AAAAGAGAAGAGATGAGCACAGGAGGAGGCCTGATCACCCCGATTTTGATGCATCTACAC[T>G]CTATGTGCCTGAGGATTTCCTCAATTCTTGTACTCCTGGGATGAGGAAGTGGTGGCAGAT-3'
Protein context (NP_000170.1, residues 386-406): PDHPDFDAST[Leu396Arg]YVPEDFLNSC